The following is an entry in ClinVar:

ClinVar aggregate classification (germline): Uncertain significance (1 of 4 stars; one submission).

Allele frequency attached by ClinVar (database versions not stated): gnomAD 0.00001; gnomAD exomes 0.00001.
gnomAD v4.1: 13 of 1,614,032 alleles (0.00081%); highest among the groups gnomAD compares: Non-Finnish European, 0.0011%; no homozygotes.

Submission:

Ambry Genetics
Classification: Uncertain significance. Last evaluated: 2023-09-13. Review status: criteria provided, single submitter. Criteria: Ambry Variant Classification Scheme 2023. Collection method: clinical testing. Allele origin: germline.
Comment: The p.E302K variant (also known as c.904G>A), located in coding exon 3 of the TERF2IP gene, results from a G to A substitution at nucleotide position 904. The glutamic acid at codon 302 is replaced by lysine, an amino acid with similar properties. This amino acid position is conserved. In addition, this alteration is predicted to be tolerated by in silico analysis. Since supporting evidence is limited at this time, the clinical significance of this alteration remains unclear.

NM_018975.4(TERF2IP):c.904G>A (p.Glu302Lys)

Gene: TERF2IP (TERF2 interacting protein; plus strand). Cytogenetic location: 16q23.1.
Variant type: single nucleotide variant.
Coding change: c.904G>A on transcript NM_018975.4 (MANE Select); coding-DNA position 904, G replaced by A.
Protein change: p.Glu302Lys; replaces glutamic acid 302 with lysine.
Molecular consequence: missense variant. On other transcripts: non-coding transcript variant (1).
Genome position (GRCh38, 1-based): chr16:75,656,315, G>A. VCF-style: chr16-75656315-G-A. GRCh37 (hg19) VCF-style: chr16-75690213-G-A.
Other names: short protein forms E302K.
Identifiers: ClinVar variation 2625602 (VCV002625602.2), dbSNP rs2082385363, ClinGen allele CA396819840.